The following is an entry in ClinVar:

ClinVar aggregate classification (germline): Uncertain significance (1 of 4 stars; one submission).

Submission:

Labcorp Genetics (formerly Invitae), Labcorp
Classification: Uncertain significance. Last evaluated: 2025-07-01. Review status: criteria provided, single submitter. Criteria: Invitae Variant Classification Sherloc (09022015). Collection method: clinical testing. Allele origin: germline.
Comment: This sequence change replaces asparagine, which is neutral and polar, with serine, which is neutral and polar, at codon 231 of the FOXI3 protein (p.Asn231Ser). This variant is present in population databases (rs760093211, gnomAD 0.002%). This variant has not been reported in the literature in individuals affected with FOXI3-related conditions. Experimental studies and prediction algorithms are not available or were not evaluated, and the functional significance of this variant is currently unknown. In summary, the available evidence is currently insufficient to determine the role of this variant in disease. Therefore, it has been classified as a Variant of Uncertain Significance.

NM_001135649.3(FOXI3):c.692A>G (p.Asn231Ser)

Gene: FOXI3 (forkhead box I3; minus strand). Cytogenetic location: 2p11.2.
Variant type: single nucleotide variant.
Coding change: c.692A>G on transcript NM_001135649.3 (MANE Select); coding-DNA position 692, A replaced by G.
Protein change: p.Asn231Ser; replaces asparagine 231 with serine.
Molecular consequence: missense variant.
Genome position (GRCh38, 1-based): chr2:88,448,778, T>C on the plus strand (A>G on the coding strand, the complement: FOXI3 is on the minus strand). VCF-style: chr2-88448778-T-C. GRCh37 (hg19) VCF-style: chr2-88748297-T-C.
Other names: short protein forms N231S.
Identifiers: ClinVar variation 4748248 (VCV004748248.1).